The following is an entry in ClinVar:

NM_032638.5(GATA2):c.1067C>T (p.Thr356Ile)

Gene: GATA2 (GATA binding protein 2; minus strand). Cytogenetic location: 3q21.3.
Variant type: single nucleotide variant.
Coding change: c.1067C>T on transcript NM_032638.5 (MANE Select); coding-DNA position 1067, C replaced by T.
Protein change: p.Thr356Ile; replaces threonine 356 with isoleucine.
Molecular consequence: missense variant.
Genome position (GRCh38, 1-based): chr3:128,481,895, G>A on the plus strand (C>T on the coding strand, the complement: GATA2 is on the minus strand). VCF-style: chr3-128481895-G-A. GRCh37 (hg19) VCF-style: chr3-128200738-G-A.
Other names: c.1067C>T, p.Thr356Ile (NM_001145661.2); c.1025C>T, p.Thr342Ile (NM_001145662.1); c.1067C>T (NM_032638.4); short protein forms T342I, T356I.
Identifiers: ClinVar variation 1010571 (VCV001010571.10), dbSNP rs1468788950, ClinGen allele CA354413606.

ClinVar aggregate classification (germline): Uncertain significance. Review status: criteria provided, multiple submitters, no conflicts (2 of 4 stars). 3 submissions from 3 submitters: Uncertain significance (3). Last evaluated 2025-03-24.

Conditions:
Inborn genetic diseases. Identifiers: MedGen C0950123, MeSH D030342.
Monocytopenia with susceptibility to infections. Also called: GATA2 DEFICIENCY; MONOCYTOPENIA AND MYCOBACTERIAL INFECTION SYNDROME; MONOCYTOPENIA WITH SUSCEPTIBILITY TO MYCOBACTERIAL, FUNGAL, AND PAPILLOMAVIRUS INFECTIONS AND MYELODYSPLASIA; COMBINED IMMUNODEFICIENCY WITH SUSCEPTIBILITY TO MYCOBACTERIAL, VIRAL, AND FUNGAL INFECTIONS; IMMUNODEFICIENCY 21; Dendritic cell, monocyte, B lymphocyte, and natural killer lymphocyte deficiency. Identifiers: Orphanet 228423, MedGen C3280030, MONDO:0013607, OMIM 614172.
Deafness-lymphedema-leukemia syndrome. Also called: Lymphedema, primary, with myelodysplasia; Emberger syndrome. Identifiers: Orphanet 3226, MedGen C3279664, MONDO:0013540, OMIM 614038.

Allele frequency attached by ClinVar (database versions not stated): TOPMed 0.00001.

Submissions (3):

Ambry Genetics
Classification: Uncertain significance for Inborn genetic diseases. Last evaluated: 2025-03-24. Review status: criteria provided, single submitter. Criteria: Ambry Variant Classification Scheme 2023. Collection method: clinical testing. Allele origin: germline.
Comment: The p.T356I variant (also known as c.1067C>T), located in coding exon 4 of the GATA2 gene, results from a C to T substitution at nucleotide position 1067. The threonine at codon 356 is replaced by isoleucine, an amino acid with similar properties. This amino acid position is conserved. In addition, this alteration is predicted to be deleterious by in silico analysis. Based on the available evidence, the clinical significance of this variant remains unclear.

Labcorp Genetics (formerly Invitae), Labcorp
Classification: Uncertain significance for Monocytopenia with susceptibility to infections; Deafness-lymphedema-leukemia syndrome. Last evaluated: 2024-05-28. Review status: criteria provided, single submitter. Criteria: Invitae Variant Classification Sherloc (09022015). Collection method: clinical testing. Allele origin: germline.
Comment: This sequence change replaces threonine, which is neutral and polar, with isoleucine, which is neutral and non-polar, at codon 356 of the GATA2 protein (p.Thr356Ile). This variant is not present in population databases (gnomAD no frequency). This variant has not been reported in the literature in individuals affected with GATA2-related conditions. ClinVar contains an entry for this variant (Variation ID: 1010571). Advanced modeling of protein sequence and biophysical properties (such as structural, functional, and spatial information, amino acid conservation, physicochemical variation, residue mobility, and thermodynamic stability) has been performed at Invitae for this missense variant, however the output from this modeling did not meet the statistical confidence thresholds required to predict the impact of this variant on GATA2 protein function. In summary, the available evidence is currently insufficient to determine the role of this variant in disease. Therefore, it has been classified as a Variant of Uncertain Significance.

Blueprint Genetics
Classification: Uncertain significance. Last evaluated: 2023-04-17. Review status: criteria provided, single submitter. Criteria: ACMG Guidelines, 2015. Collection method: clinical testing. Allele origin: germline.